The following is an entry in ClinVar:

NM_001303256.3(MORC2):c.1934C>T (p.Pro645Leu)

Gene: MORC2 (MORC family CW-type zinc finger 2; minus strand). Cytogenetic location: 22q12.2.
Variant type: single nucleotide variant.
Coding change: c.1934C>T on transcript NM_001303256.3 (MANE Select); coding-DNA position 1934, C replaced by T.
Protein change: p.Pro645Leu; replaces proline 645 with leucine.
Molecular consequence: missense variant.
Genome position (GRCh38, 1-based): chr22:30,935,040, G>A on the plus strand (C>T on the coding strand, the complement: MORC2 is on the minus strand). VCF-style: chr22-30935040-G-A. GRCh37 (hg19) VCF-style: chr22-31331027-G-A.
Other names: c.1934C>T, p.Pro645Leu (NM_001303257.2); c.1748C>T, p.Pro583Leu (NM_014941.3); short protein forms P583L, P645L.
Identifiers: ClinVar variation 2581567 (VCV002581567.1), dbSNP rs755526155, ClinGen allele CA10186802.

ClinVar aggregate classification (germline): Uncertain significance (1 of 4 stars; one submission).

Allele frequency attached by ClinVar (database versions not stated): gnomAD exomes 0.00001; TOPMed 0.00001; ExAC 0.00002.
gnomAD v4.1: 5 of 1,614,088 alleles (0.00031%); highest among the groups gnomAD compares: Admixed American, 0.0083%; no homozygotes.

Submission:

Women's Health and Genetics/Laboratory Corporation of America, LabCorp
Classification: Uncertain significance. Last evaluated: 2023-08-08. Review status: criteria provided, single submitter. Criteria: LabCorp Variant Classification Summary - May 2015. Collection method: clinical testing. Allele origin: germline.
Comment: Variant summary: MORC2 c.1934C>T (p.Pro645Leu) results in a non-conservative amino acid change in the encoded protein sequence. Four of five in-silico tools predict a benign effect of the variant on protein function. The variant allele was found at a frequency of 1.6e-05 in 250540 control chromosomes (gnomAD). The available data on variant occurrences in the general population are insufficient to allow any conclusion about variant significance. To our knowledge, no occurrence of c.1934C>T in individuals affected with Developmental Delay, Impaired Growth, Dysmorphic Facies, And Axonal Neuropathy and no experimental evidence demonstrating its impact on protein function have been reported. No submitters have cited clinical-significance assessments for this variant to ClinVar after 2014. Based on the evidence outlined above, the variant was classified as uncertain significance.